The following is an entry in ClinVar:

ClinVar aggregate classification (germline): Uncertain significance (1 of 4 stars; one submission).

Conditions:
Hereditary cancer-predisposing syndrome. Also called: Tumor predisposition; Neoplastic Syndromes, Hereditary; Hereditary Cancer Syndrome; Hereditary neoplastic syndrome. Identifiers: Orphanet 140162, MedGen C0027672, MeSH D009386, MONDO:0015356.

Submission:

Ambry Genetics
Classification: Uncertain significance for Hereditary cancer-predisposing syndrome. Last evaluated: 2026-02-17. Review status: criteria provided, single submitter. Criteria: Ambry Variant Classification Scheme 2023. Collection method: clinical testing. Allele origin: germline.
Comment: The p.V51A variant (also known as c.152T>C), located in coding exon 3 of the SMARCE1 gene, results from a T to C substitution at nucleotide position 152. The valine at codon 51 is replaced by alanine, an amino acid with similar properties. This amino acid position is well conserved in available vertebrate species. In addition, this alteration is predicted to be tolerated by in silico analysis. Based on the available evidence, the clinical significance of this variant remains unclear.

NM_003079.5(SMARCE1):c.152T>C (p.Val51Ala)

Gene: SMARCE1 (SWI/SNF related BAF chromatin remodeling complex subunit E1; minus strand). Cytogenetic location: 17q21.2.
Variant type: single nucleotide variant.
Coding change: c.152T>C on transcript NM_003079.5 (MANE Select); coding-DNA position 152, T replaced by C.
Protein change: p.Val51Ala; replaces valine 51 with alanine.
Molecular consequence: missense variant.
Genome position (GRCh38, 1-based): chr17:40,642,459, A>G on the plus strand (T>C on the coding strand, the complement: SMARCE1 is on the minus strand). VCF-style: chr17-40642459-A-G. GRCh37 (hg19) VCF-style: chr17-38798711-A-G.
Other names: short protein forms V51A.
Identifiers: ClinVar variation 819466 (VCV000819466.6), dbSNP rs1597749716, ClinGen allele CA399369528.